The following is an entry in ClinVar:

ClinVar aggregate classification (germline): Uncertain significance (1 of 4 stars; one submission).

gnomAD v4.1: 93 of 1,613,808 alleles (0.0058%); highest among the groups gnomAD compares: Non-Finnish European, 0.0076%; no homozygotes.

Submission:

Labcorp Genetics (formerly Invitae), Labcorp
Classification: Uncertain significance. Last evaluated: 2025-03-07. Review status: criteria provided, single submitter. Criteria: Invitae Variant Classification Sherloc (09022015). Collection method: clinical testing. Allele origin: germline.
Comment: This sequence change replaces tyrosine, which is neutral and polar, with phenylalanine, which is neutral and non-polar, at codon 38 of the IL2RB protein (p.Tyr38Phe). This variant is present in population databases (rs774508915, gnomAD 0.01%). This variant has not been reported in the literature in individuals affected with IL2RB-related conditions. An algorithm developed to predict the effect of missense changes on protein structure and function (PolyPhen-2) suggests that this variant is likely to be disruptive. In summary, the available evidence is currently insufficient to determine the role of this variant in disease. Therefore, it has been classified as a Variant of Uncertain Significance.

NM_000878.5(IL2RB):c.113A>T (p.Tyr38Phe)

Gene: IL2RB (interleukin 2 receptor subunit beta; minus strand). Cytogenetic location: 22q12.3.
Variant type: single nucleotide variant.
Coding change: c.113A>T on transcript NM_000878.5 (MANE Select); coding-DNA position 113, A replaced by T.
Protein change: p.Tyr38Phe; replaces tyrosine 38 with phenylalanine.
Molecular consequence: missense variant.
Genome position (GRCh38, 1-based): chr22:37,143,611, T>A on the plus strand (A>T on the coding strand, the complement: IL2RB is on the minus strand). VCF-style: chr22-37143611-T-A. GRCh37 (hg19) VCF-style: chr22-37539651-T-A.
Other names: c.113A>T, p.Tyr38Phe (NM_001346222.1, NM_001346223.2); short protein forms Y38F.
Identifiers: ClinVar variation 4739029 (VCV004739029.1).
Genomic context (GRCh38, chr22:37,143,611, plus strand): 5'-GAAGTGTCCTGCAGAGCCCCATCTTGGCTCCAGACACAGGAGATGTTGGCTCTCGAGTTG[T>A]AGAAGCATGTGAACTGGGAAGTGCCTGCCGGGCAAGATGAGGTGTGAGTGCTGACTGTAG-3'
Protein context (NP_000869.1, residues 28-48): VNGTSQFTCF[Tyr38Phe]NSRANISCVW